The following is an entry in ClinVar:

ClinVar aggregate classification (germline): Likely benign. Review status: criteria provided, multiple submitters, no conflicts (2 of 4 stars). 3 submissions from 3 submitters: Likely benign (2). 1 of the submissions does not count toward it. Last evaluated 2026-02-01.

Conditions:
RTEL1-related disorder. Also called: RTEL1-related condition; RTEL1-related disorders.
Pulmonary fibrosis and/or bone marrow failure, Telomere-related, 3. Also called: PULMONARY FIBROSIS AND/OR BONE MARROW FAILURE SYNDROME, TELOMERE-RELATED, 3. Identifiers: Orphanet 2032, MedGen C4225346, MONDO:0014613, OMIM 616373.
Dyskeratosis congenita, autosomal recessive 5 (DKCB5). Identifiers: MedGen C3554656, MONDO:0014076, OMIM 615190.
Inborn genetic diseases. Identifiers: MedGen C0950123, MeSH D030342.

Allele frequency attached by ClinVar (database versions not stated): gnomAD exomes 0.00001; ExAC 0.00001; TOPMed 0.00001.

Submissions (3):

Labcorp Genetics (formerly Invitae), Labcorp
Classification: Likely benign for Dyskeratosis congenita, autosomal recessive 5; Pulmonary fibrosis and/or bone marrow failure, Telomere-related, 3. Last evaluated: 2026-02-01. Review status: criteria provided, single submitter. Criteria: Invitae Variant Classification Sherloc (09022015). Collection method: clinical testing. Allele origin: germline.

Ambry Genetics
Classification: Likely benign for Inborn genetic diseases. Last evaluated: 2024-11-25. Review status: criteria provided, single submitter. Criteria: Ambry Variant Classification Scheme 2023. Collection method: clinical testing. Allele origin: germline.

PreventionGenetics, part of Exact Sciences
Classification: Likely benign for RTEL1-related condition. Last evaluated: 2019-03-18. Review status: no assertion criteria provided. Collection method: clinical testing. Allele origin: germline. Not counted in ClinVar's aggregate classification.
Comment: This variant is classified as likely benign based on ACMG/AMP sequence variant interpretation guidelines (Richards et al. 2015 PMID: 25741868, with internal and published modifications).

NM_001283009.2(RTEL1):c.3246G>A (p.Ala1082=)

Genes: RTEL1 (regulator of telomere elongation helicase 1; plus strand), RTEL1-TNFRSF6B (RTEL1-TNFRSF6B readthrough (NMD candidate); plus strand). Cytogenetic location: 20q13.33.
Variant type: single nucleotide variant.
Coding change: c.3246G>A on transcript NM_001283009.2 (MANE Select); coding-DNA position 3246, G replaced by A.
Protein change: p.Ala1082=; no amino-acid change (alanine 1082 retained).
Molecular consequence: synonymous variant. On other transcripts: non-coding transcript variant (1).
Genome position (GRCh38, 1-based): chr20:63,694,877, G>A. VCF-style: chr20-63694877-G-A. GRCh37 (hg19) VCF-style: chr20-62326230-G-A.
Other names: c.2577G>A, p.Ala859= (NM_001283010.1); c.3246G>A, p.Ala1082= (NM_016434.4); c.3318G>A, p.Ala1106= (NM_032957.5); c.3318G>A (NM_032957.4).
Identifiers: ClinVar variation 1086839 (VCV001086839.12), dbSNP rs749570178, ClinGen allele CA9965920.
Genomic context (GRCh38, chr20:63,694,877, plus strand): 5'-CTACCTGGCTGATGCCCGCAGGGCCCTGGGGTCCGCGGGCTGTAGCCAACTCTTGGCAGC[G>A]CTGACAGCCTATAAGCAAGACGACGACCTCGACAAGGTGCTGGCTGTGTTGGCCGCCCTG-3'
Protein context (NP_001269938.1, residues 1072-1092): GSAGCSQLLA[Ala1082=]LTAYKQDDDL